The following is an entry in ClinVar:

ClinVar aggregate classification (germline): Uncertain significance (1 of 4 stars; one submission).

Conditions:
Inborn genetic diseases. Identifiers: MedGen C0950123, MeSH D030342.

gnomAD v4.1: 1 of 1,614,140 alleles (0.000062%); highest among the groups gnomAD compares: African/African-American, 0.0013%; no homozygotes.

Submission:

Ambry Genetics
Classification: Uncertain significance for Inborn genetic diseases. Last evaluated: 2026-03-27. Review status: criteria provided, single submitter. Criteria: Ambry Variant Classification Scheme 2023. Collection method: clinical testing. Allele origin: germline.
Comment: The p.S360F variant (also known as c.1079C>T), located in coding exon 5 of the SH2B3 gene, results from a C to T substitution at nucleotide position 1079. The serine at codon 360 is replaced by phenylalanine, an amino acid with highly dissimilar properties. This amino acid position is conserved. In addition, this alteration is predicted to be tolerated by in silico analysis. Based on the available evidence, the clinical significance of this variant remains unclear.

NM_005475.3(SH2B3):c.1079C>T (p.Ser360Phe)

Gene: SH2B3 (SH2B adaptor protein 3; plus strand). Cytogenetic location: 12q24.12.
Variant type: single nucleotide variant.
Coding change: c.1079C>T on transcript NM_005475.3 (MANE Select); coding-DNA position 1079, C replaced by T.
Protein change: p.Ser360Phe; replaces serine 360 with phenylalanine.
Molecular consequence: missense variant.
Genome position (GRCh38, 1-based): chr12:111,447,387, C>T. VCF-style: chr12-111447387-C-T. GRCh37 (hg19) VCF-style: chr12-111885191-C-T.
Other names: c.473C>T, p.Ser158Phe (NM_001291424.1); short protein forms S158F, S360F.
Identifiers: ClinVar variation 4864396 (VCV004864396.1).